The following is an entry in ClinVar:

ClinVar aggregate classification (germline): Likely benign (1 of 4 stars; one submission).

Submission:

CeGaT Center for Human Genetics Tuebingen
Classification: Likely benign. Last evaluated: 2025-10-01. Review status: criteria provided, single submitter. Criteria: CeGaT Center For Human Genetics Tuebingen Variant Classification Criteria Version 2. Collection method: clinical testing. Allele origin: germline. Affected: yes. Observed: 1 variant allele.
Comment: PERCC1: BS2

NM_001365310.2(PERCC1):c.173G>A (p.Arg58Gln)

Gene: PERCC1 (proline and glutamate rich with coiled coil 1; plus strand). Cytogenetic location: 16p13.3.
Variant type: single nucleotide variant.
Coding change: c.173G>A on transcript NM_001365310.2 (MANE Select); coding-DNA position 173, G replaced by A.
Protein change: p.Arg58Gln; replaces arginine 58 with glutamine.
Molecular consequence: missense variant.
Genome position (GRCh38, 1-based): chr16:1,432,766, G>A. VCF-style: chr16-1432766-G-A. GRCh37 (hg19) VCF-style: chr16-1482767-G-A.
Other names: short protein forms R58Q.
Identifiers: ClinVar variation 4533497 (VCV004533497.6).